The following is an entry in ClinVar:

NM_006231.4(POLE):c.1176C>A (p.Asp392Glu)

Gene: POLE (DNA polymerase epsilon, catalytic subunit; minus strand). Cytogenetic location: 12q24.33.
Variant type: single nucleotide variant.
Coding change: c.1176C>A on transcript NM_006231.4 (MANE Select); coding-DNA position 1176, C replaced by A.
Protein change: p.Asp392Glu; replaces aspartic acid 392 with glutamic acid.
Molecular consequence: missense variant.
Genome position (GRCh38, 1-based): chr12:132,675,448, G>T on the plus strand (C>A on the coding strand, the complement: POLE is on the minus strand). VCF-style: chr12-132675448-G-T. GRCh37 (hg19) VCF-style: chr12-133252034-G-T.
Other names: short protein forms D392E.
Identifiers: ClinVar variation 4141220 (VCV004141220.1).

ClinVar aggregate classification (germline): Uncertain significance (1 of 4 stars; one submission).

Conditions:
Hereditary cancer-predisposing syndrome. Also called: Hereditary neoplastic syndrome; Neoplastic Syndromes, Hereditary; Tumor predisposition; Hereditary Cancer Syndrome. Identifiers: Orphanet 140162, MedGen C0027672, MeSH D009386, MONDO:0015356.

Submission:

Ambry Genetics
Classification: Uncertain significance for Hereditary cancer-predisposing syndrome. Last evaluated: 2025-08-26. Review status: criteria provided, single submitter. Criteria: Ambry Variant Classification Scheme 2023. Collection method: clinical testing. Allele origin: germline.
Comment: The p.D392E variant (also known as c.1176C>A), located in coding exon 12 of the POLE gene, results from a C to A substitution at nucleotide position 1176. The aspartic acid at codon 392 is replaced by glutamic acid, an amino acid with highly similar properties. This amino acid position is highly conserved in available vertebrate species. In addition, the in silico prediction for this alteration is inconclusive. Based on the available evidence, the clinical significance of this variant remains unclear.